The following is an entry in ClinVar:

NM_004629.2(FANCG):c.38T>C (p.Leu13Pro)

Gene: FANCG (FA complementation group G; minus strand). Cytogenetic location: 9p13.3.
Variant type: single nucleotide variant.
Coding change: c.38T>C on transcript NM_004629.2 (MANE Select); coding-DNA position 38, T replaced by C.
Protein change: p.Leu13Pro; replaces leucine 13 with proline.
Molecular consequence: missense variant.
Genome position (GRCh38, 1-based): chr9:35,079,487, A>G on the plus strand (T>C on the coding strand, the complement: FANCG is on the minus strand). VCF-style: chr9-35079487-A-G. GRCh37 (hg19) VCF-style: chr9-35079484-A-G.
Other names: short protein forms L13P.
Identifiers: ClinVar variation 4619387 (VCV004619387.1).
Genomic context (GRCh38, chr9:35,079,487, plus strand): 5'-AGCAACCGTGTTACCTTGGCCTGTCGAACGAGCCGGTCATTCTTTTCCCTCCACAGGTCC[A>G]GGCAGCTGGAGCCCACAGAGGTGGTCTGGCGGGACATGGTGGCCGAGGCTGGGCCCGGAG-3'
Protein context (NP_004620.1, residues 3-23): RQTTSVGSSC[Leu13Pro]DLWREKNDRL

ClinVar aggregate classification (germline): Uncertain significance (1 of 4 stars; one submission).

Conditions:
Inborn genetic diseases. Identifiers: MedGen C0950123, MeSH D030342.

gnomAD v4.1: 3 of 1,614,104 alleles (0.00019%); highest among the groups gnomAD compares: South Asian, 0.0033%; no homozygotes.

Submission:

Ambry Genetics
Classification: Uncertain significance for Inborn genetic diseases. Last evaluated: 2025-11-04. Review status: criteria provided, single submitter. Criteria: Ambry Variant Classification Scheme 2023. Collection method: clinical testing. Allele origin: germline.
Comment: The p.L13P variant (also known as c.38T>C), located in coding exon 1 of the FANCG gene, results from a T to C substitution at nucleotide position 38. The leucine at codon 13 is replaced by proline, an amino acid with similar properties. This amino acid position is conserved. In addition, this alteration is predicted to be deleterious by in silico analysis. Based on the available evidence, the clinical significance of this variant remains unclear.